The following is an entry in ClinVar:

NM_005219.5(DIAPH1):c.2358+15C>G

Gene: DIAPH1 (diaphanous related formin 1; minus strand). Cytogenetic location: 5q31.3.
Variant type: single nucleotide variant.
Coding change: c.2358+15C>G on transcript NM_005219.5 (MANE Select); 15 bases into the intron after coding-DNA position 2358, C replaced by G.
Molecular consequence: intron variant.
Genome position (GRCh38, 1-based): chr5:141,573,477, G>C on the plus strand (C>G on the coding strand, the complement: DIAPH1 is on the minus strand). VCF-style: chr5-141573477-G-C. GRCh37 (hg19) VCF-style: chr5-140953044-G-C.
Other names: c.2331+15C>G (NM_001079812.3); c.2358+15C>G (NM_001314007.2).
Identifiers: ClinVar variation 227302 (VCV000227302.13), dbSNP rs375375478, ClinGen allele CA3479111.

ClinVar aggregate classification (germline): Likely benign. Review status: criteria provided, multiple submitters, no conflicts (2 of 4 stars). 2 submissions from 2 submitters: Likely benign (2). Last evaluated 2026-01-05.

Conditions:
Autosomal dominant nonsyndromic hearing loss 1. Also called: KONIGSMARK SYNDROME; DEAFNESS, AUTOSOMAL DOMINANT 1, WITH OR WITHOUT THROMBOCYTOPENIA. Identifiers: Orphanet 90635, MedGen C1852282, MONDO:0007424, OMIM 124900.
Progressive microcephaly-seizures-cortical blindness-developmental delay syndrome. Also called: Seizures, cortical blindness, and microcephaly syndrome. Identifiers: Orphanet 477814, MedGen C5567650, MONDO:0014714, OMIM 616632.

Allele frequency attached by ClinVar (database versions not stated): gnomAD exomes 0.00005 and 0.00007; ExAC 0.00011; 1000 Genomes Project 0.00020; ESP Exome Variant Server 0.00034; gnomAD 0.00037 and 0.00042; TOPMed 0.00044.
gnomAD v4.1: 121 of 1,321,998 alleles (0.0092%); highest among the groups gnomAD compares: African/African-American, 0.15%; no homozygotes.

Submissions (2):

Labcorp Genetics (formerly Invitae), Labcorp
Classification: Likely benign for Progressive microcephaly-seizures-cortical blindness-developmental delay syndrome; Autosomal dominant nonsyndromic hearing loss 1. Last evaluated: 2026-01-05. Review status: criteria provided, single submitter. Criteria: Invitae Variant Classification Sherloc (09022015). Collection method: clinical testing. Allele origin: germline.

Laboratory for Molecular Medicine, Mass General Brigham Personalized Medicine
Classification: Likely benign. Last evaluated: 2012-04-30. Review status: criteria provided, single submitter. Criteria: LMM Criteria. Collection method: clinical testing. Allele origin: germline. Observed: 1 variant allele.
Comment: 2358+15C>G in Intron 16 of DIAPH1: This variant is not expected to have clinical significance because it is not located within the conserved splice consensus se quence and has been identified in 0.1% (4/2940) of African American chromosomes from a broad population by the NHLBI Exome Sequencing Project.